The following is an entry in ClinVar:

NM_000334.4(SCN4A):c.4503G>A (p.Met1501Ile)

Genes: GH-LCR (growth hormone locus control region; plus strand), SCN4A (sodium voltage-gated channel alpha subunit 4; minus strand). Cytogenetic location: 17q23.3.
Variant type: single nucleotide variant.
Coding change: c.4503G>A on transcript NM_000334.4 (MANE Select); coding-DNA position 4503, G replaced by A.
Protein change: p.Met1501Ile; replaces methionine 1501 with isoleucine.
Molecular consequence: missense variant.
Genome position (GRCh38, 1-based): chr17:63,941,779, C>T on the plus strand (G>A on the coding strand, the complement: SCN4A is on the minus strand). VCF-style: chr17-63941779-C-T. GRCh37 (hg19) VCF-style: chr17-62019139-C-T.
Other names: short protein forms M1501I.
Identifiers: ClinVar variation 641234 (VCV000641234.9), dbSNP rs1467904959, ClinGen allele CA400615881.

ClinVar aggregate classification (germline): Uncertain significance (1 of 4 stars; one submission).

Conditions:
Hyperkalemic periodic paralysis. Also called: Familial hyperkalemic periodic paralysis; Gamstorp disease. Identifiers: Orphanet 682, MedGen C0238357, MONDO:0008224, OMIM 170500, HP:0007215.

Allele frequency attached by ClinVar (database versions not stated): gnomAD 0.00001; gnomAD exomes 0.00001; TOPMed 0.00001.

Submission:

Labcorp Genetics (formerly Invitae), Labcorp
Classification: Uncertain significance for Hyperkalemic periodic paralysis. Last evaluated: 2022-08-22. Review status: criteria provided, single submitter. Criteria: Invitae Variant Classification Sherloc (09022015). Collection method: clinical testing. Allele origin: germline.
Comment: This sequence change replaces methionine, which is neutral and non-polar, with isoleucine, which is neutral and non-polar, at codon 1501 of the SCN4A protein (p.Met1501Ile). This variant is present in population databases (no rsID available, gnomAD 0.002%). This variant has not been reported in the literature in individuals affected with SCN4A-related conditions. In summary, the available evidence is currently insufficient to determine the role of this variant in disease. Therefore, it has been classified as a Variant of Uncertain Significance. Algorithms developed to predict the effect of missense changes on protein structure and function are either unavailable or do not agree on the potential impact of this missense change (SIFT: "Deleterious"; PolyPhen-2: "Probably Damaging"; Align-GVGD: "Class C0"). ClinVar contains an entry for this variant (Variation ID: 641234).